The following is an entry in ClinVar:

NM_007118.4(TRIO):c.1204A>T (p.Met402Leu)

Gene: TRIO (trio Rho guanine nucleotide exchange factor; plus strand). Cytogenetic location: 5p15.2.
Variant type: single nucleotide variant.
Coding change: c.1204A>T on transcript NM_007118.4 (MANE Select); coding-DNA position 1204, A replaced by T.
Protein change: p.Met402Leu; replaces methionine 402 with leucine.
Molecular consequence: missense variant. On other transcripts: non-coding transcript variant (1).
Genome position (GRCh38, 1-based): chr5:14,297,099, A>T. VCF-style: chr5-14297099-A-T. GRCh37 (hg19) VCF-style: chr5-14297208-A-T.
Other names: short protein forms M402L.
Identifiers: ClinVar variation 2630443 (VCV002630443.1), dbSNP rs768326007, ClinGen allele CA359215899.

ClinVar aggregate classification (germline): Uncertain significance (1 of 4 stars; one submission).

Conditions:
TRIO-related disorder. Also called: TRIO-related condition; TRIO-related disorders.

gnomAD v4.1: 1 of 1,613,662 alleles (0.000062%); highest among the groups gnomAD compares: African/African-American, 0.0013%; no homozygotes.

Submission:

PreventionGenetics, part of Exact Sciences
Classification: Uncertain significance for TRIO-related condition. Last evaluated: 2023-01-30. Review status: criteria provided, single submitter. Criteria: ACMG Guidelines, 2015. Collection method: clinical testing. Allele origin: germline.
Comment: The TRIO c.1204A>T variant is predicted to result in the amino acid substitution p.Met402Leu. To our knowledge, this variant has not been reported in the literature or in a large population database, indicating this variant is rare. At this time, the clinical significance of this variant is uncertain due to the absence of conclusive functional and genetic evidence.